The following is an entry in ClinVar:

ClinVar aggregate classification (germline): Uncertain significance. Review status: criteria provided, multiple submitters, no conflicts (2 of 4 stars). 3 submissions from 3 submitters: Uncertain significance (3). Last evaluated 2025-05-31.

Conditions:
Inborn genetic diseases. Identifiers: MedGen C0950123, MeSH D030342.
Fanconi anemia (FA). Also called: Fanconi's anemia. Identifiers: Orphanet 84, MedGen C0015625, MeSH D005199, MONDO:0019391.

Submissions (3):

Ambry Genetics
Classification: Uncertain significance for Inborn genetic diseases. Last evaluated: 2025-05-31. Review status: criteria provided, single submitter. Criteria: Ambry Variant Classification Scheme 2023. Collection method: clinical testing. Allele origin: germline.
Comment: The p.Y1976C variant (also known as c.5927A>G), located in coding exon 22 of the FANCM gene, results from an A to G substitution at nucleotide position 5927. The tyrosine at codon 1976 is replaced by cysteine, an amino acid with highly dissimilar properties. This amino acid position is conserved. In addition, the in silico prediction for this alteration is inconclusive. Based on the available evidence, the clinical significance of this variant remains unclear.

GeneDx
Classification: Uncertain significance. Last evaluated: 2024-05-15. Review status: criteria provided, single submitter. Criteria: GeneDx Variant Classification Process June 2021. Collection method: clinical testing. Allele origin: germline. Affected: yes.
Comment: Not observed at significant frequency in large population cohorts (gnomAD); In silico analysis supports that this missense variant has a deleterious effect on protein structure/function; Has not been previously published as pathogenic or benign to our knowledge

Labcorp Genetics (formerly Invitae), Labcorp
Classification: Uncertain significance for Fanconi anemia. Last evaluated: 2019-03-26. Review status: criteria provided, single submitter. Criteria: Invitae Variant Classification Sherloc (09022015). Collection method: clinical testing. Allele origin: germline.
Comment: In summary, the available evidence is currently insufficient to determine the role of this variant in disease. Therefore, it has been classified as a Variant of Uncertain Significance. Algorithms developed to predict the effect of missense changes on protein structure and function (SIFT, PolyPhen-2, Align-GVGD) all suggest that this variant is likely to be disruptive, but these predictions have not been confirmed by published functional studies and their clinical significance is uncertain. This variant has not been reported in the literature in individuals with FANCM-related disease. This variant is not present in population databases (ExAC no frequency). This sequence change replaces tyrosine with cysteine at codon 1976 of the FANCM protein (p.Tyr1976Cys). The tyrosine residue is highly conserved and there is a large physicochemical difference between tyrosine and cysteine.

NM_020937.4(FANCM):c.5927A>G (p.Tyr1976Cys)

Gene: FANCM (FA complementation group M; plus strand). Cytogenetic location: 14q21.2.
Variant type: single nucleotide variant.
Coding change: c.5927A>G on transcript NM_020937.4 (MANE Select); coding-DNA position 5927, A replaced by G.
Protein change: p.Tyr1976Cys; replaces tyrosine 1976 with cysteine.
Molecular consequence: missense variant.
Genome position (GRCh38, 1-based): chr14:45,198,854, A>G. VCF-style: chr14-45198854-A-G. GRCh37 (hg19) VCF-style: chr14-45668057-A-G.
Other names: c.5927A>G (LRG_502t1); c.5849A>G, p.Tyr1950Cys (NM_001308133.2); short protein forms Y1976C, Y1950C.
Identifiers: ClinVar variation 645410 (VCV000645410.12), dbSNP rs1594486279, ClinGen allele CA389587425.